The following is an entry in ClinVar:

ClinVar aggregate classification (germline): Uncertain significance (1 of 4 stars; one submission).

Submission:

Labcorp Genetics (formerly Invitae), Labcorp
Classification: Uncertain significance. Last evaluated: 2022-10-28. Review status: criteria provided, single submitter. Criteria: Invitae Variant Classification Sherloc (09022015). Collection method: clinical testing. Allele origin: germline.
Comment: In summary, the available evidence is currently insufficient to determine the role of this variant in disease. Therefore, it has been classified as a Variant of Uncertain Significance. Algorithms developed to predict the effect of missense changes on protein structure and function (SIFT, PolyPhen-2, Align-GVGD) all suggest that this variant is likely to be tolerated. This variant has not been reported in the literature in individuals affected with SLC27A5-related conditions. This variant is present in population databases (rs752061822, gnomAD 0.001%). This sequence change replaces alanine, which is neutral and non-polar, with glycine, which is neutral and non-polar, at codon 150 of the SLC27A5 protein (p.Ala150Gly).

NM_012254.3(SLC27A5):c.449C>G (p.Ala150Gly)

Gene: SLC27A5 (solute carrier family 27 member 5; minus strand). Cytogenetic location: 19q13.43.
Variant type: single nucleotide variant.
Coding change: c.449C>G on transcript NM_012254.3 (MANE Select); coding-DNA position 449, C replaced by G.
Protein change: p.Ala150Gly; replaces alanine 150 with glycine.
Molecular consequence: missense variant. On other transcripts: intron variant (1).
Genome position (GRCh38, 1-based): chr19:58,511,507, G>C on the plus strand (C>G on the coding strand, the complement: SLC27A5 is on the minus strand). VCF-style: chr19-58511507-G-C. GRCh37 (hg19) VCF-style: chr19-59022874-G-C.
Other names: c.436+13C>G (NM_001321196.2); short protein forms A150G.
Identifiers: ClinVar variation 2810362 (VCV002810362.3), dbSNP rs752061822, ClinGen allele CA9718282.